The following is an entry in ClinVar:

NM_000338.3(SLC12A1):c.2873_2873+1inv

Gene: SLC12A1 (solute carrier family 12 member 1; plus strand). Cytogenetic location: 15q21.1.
Variant type: Inversion.
Coding change: c.2873_2873+1inv on transcript NM_000338.3 (MANE Select).
Molecular consequence: splice donor variant.
Genome position: GRCh38 VCF-style: chr15-48288516-TG-CA. GRCh37 (hg19) VCF-style: chr15-48580713-TG-CA.
Other names: c.2873_2873+1inv (NM_001384136.1, NM_001184832.2).
Identifiers: ClinVar variation 1471570 (VCV001471570.6), ClinGen allele CA2573150905.

ClinVar aggregate classification (germline): Likely pathogenic (1 of 4 stars; one submission).

Submission:

Labcorp Genetics (formerly Invitae), Labcorp
Classification: Likely pathogenic. Last evaluated: 2025-06-30. Review status: criteria provided, single submitter. Criteria: Invitae Variant Classification Sherloc (09022015). Collection method: clinical testing. Allele origin: germline.
Comment: This sequence change affects a splice site in intron 23 of the SLC12A1 gene. It is expected to disrupt RNA splicing. Variants that disrupt the donor or acceptor splice site typically lead to a loss of protein function (PMID: 16199547), and loss-of-function variants in SLC12A1 are known to be pathogenic (PMID: 8640224, 9585600, 19096086). Information on the frequency of this variant in the gnomAD database is not available, as this variant may be reported differently in the database. This variant has not been reported in the literature in individuals affected with SLC12A1-related conditions. ClinVar contains an entry for this variant (Variation ID: 1471570). In summary, the currently available evidence indicates that the variant is pathogenic, but additional data are needed to prove that conclusively. Therefore, this variant has been classified as Likely Pathogenic.

Literature cited by the submitters: PubMed 16199547; PubMed 8640224; PubMed 9585600; PubMed 19096086.